The following is an entry in ClinVar:

NM_017763.6(RNF43):c.1189C>T (p.Arg397Trp)

Gene: RNF43 (ring finger protein 43; minus strand). Cytogenetic location: 17q22.
Variant type: single nucleotide variant.
Coding change: c.1189C>T on transcript NM_017763.6 (MANE Select); coding-DNA position 1189, C replaced by T.
Protein change: p.Arg397Trp; replaces arginine 397 with tryptophan.
Molecular consequence: missense variant.
Genome position (GRCh38, 1-based): chr17:58,358,587, G>A on the plus strand (C>T on the coding strand, the complement: RNF43 is on the minus strand). VCF-style: chr17-58358587-G-A. GRCh37 (hg19) VCF-style: chr17-56435948-G-A.
Other names: c.1189C>T (NM_017763.4); c.1189C>T, p.Arg397Trp (NM_001305544.3); c.808C>T, p.Arg270Trp (NM_001305545.2); short protein forms R397W, R270W.
Identifiers: ClinVar variation 2077723 (VCV002077723.8), dbSNP rs531889929, ClinGen allele CA8673219.
Genomic context (GRCh38, chr17:58,358,587, plus strand): 5'-CCCAGCCTTGTGCATAGGGGTGCTGGGCTCCTGCCAGGCGCTGCTGCTCTCCTGGAGCCC[G>A]GGGATGTGCAGCTCTGGGGAAGCGGTGATGCCGAGGGCCCATGCCTGGCTCCTGGGATGG-3'
Protein context (NP_060233.3, residues 387-407): HHRFPRAAHP[Arg397Trp]APGEQQRLAG

ClinVar aggregate classification (germline): Uncertain significance. Review status: criteria provided, multiple submitters, no conflicts (2 of 4 stars). 4 submissions from 4 submitters: Uncertain significance (4). Last evaluated 2025-11-24.

Conditions:
Sessile serrated polyposis cancer syndrome (SSPCS). Identifiers: Orphanet 157798, MedGen C4310714, MONDO:0014919, OMIM 617108.

Allele frequency attached by ClinVar (database versions not stated): gnomAD 0.00001; ExAC 0.00003; 1000 Genomes Project 30x 0.00016; 1000 Genomes Project 0.00020.
gnomAD v4.1: 26 of 1,591,188 alleles (0.0016%); highest among the groups gnomAD compares: Middle Eastern, 0.017%; no homozygotes.

Submissions (4):

Labcorp Genetics (formerly Invitae), Labcorp
Classification: Uncertain significance. Last evaluated: 2025-11-24. Review status: criteria provided, single submitter. Criteria: Invitae Variant Classification Sherloc (09022015). Collection method: clinical testing. Allele origin: germline.
Comment: This sequence change replaces arginine, which is basic and polar, with tryptophan, which is neutral and slightly polar, at codon 397 of the RNF43 protein (p.Arg397Trp). This variant is present in population databases (rs531889929, gnomAD 0.01%). This variant has not been reported in the literature in individuals affected with RNF43-related conditions. ClinVar contains an entry for this variant (Variation ID: 2077723). An algorithm developed to predict the effect of missense changes on protein structure and function outputs the following: PolyPhen-2: "Benign". The tryptophan amino acid residue is found in multiple mammalian species, which suggests that this missense change does not adversely affect protein function. In summary, the available evidence is currently insufficient to determine the role of this variant in disease. Therefore, it has been classified as a Variant of Uncertain Significance.

Ambry Genetics
Classification: Uncertain significance. Last evaluated: 2024-11-25. Review status: criteria provided, single submitter. Criteria: Ambry Variant Classification Scheme 2023. Collection method: clinical testing. Allele origin: germline.
Comment: The p.R397W variant (also known as c.1189C>T), located in coding exon 8 of the RNF43 gene, results from a C to T substitution at nucleotide position 1189. The arginine at codon 397 is replaced by tryptophan, an amino acid with dissimilar properties. This amino acid position is conserved. In addition, this alteration is predicted to be tolerated by in silico analysis. Based on the available evidence, the clinical significance of this variant remains unclear.

GeneDx
Classification: Uncertain significance. Last evaluated: 2024-04-05. Review status: criteria provided, single submitter. Criteria: GeneDx Variant Classification Process June 2021. Collection method: clinical testing. Allele origin: germline. Affected: yes.
Comment: Not observed at significant frequency in large population cohorts (gnomAD); In silico analysis indicates that this missense variant does not alter protein structure/function; Has not been previously published as pathogenic or benign to our knowledge; Variants in candidate genes are classified as variants of uncertain significance in accordance with ACMG guidelines (PMID: 25741868)

Baylor Genetics
Classification: Uncertain significance for Sessile serrated polyposis cancer syndrome. Last evaluated: 2024-01-06. Review status: criteria provided, single submitter. Criteria: ACMG Guidelines, 2015. Collection method: clinical testing. Allele origin: unknown.